The following is an entry in ClinVar:

ClinVar aggregate classification (germline): Uncertain significance. Review status: criteria provided, multiple submitters, no conflicts (2 of 4 stars). 2 submissions from 2 submitters: Uncertain significance (2). Last evaluated 2024-06-30.

Conditions:
Hereditary cancer-predisposing syndrome. Also called: Neoplastic Syndromes, Hereditary; Tumor predisposition; Hereditary Cancer Syndrome; Hereditary neoplastic syndrome. Identifiers: Orphanet 140162, MedGen C0027672, MeSH D009386, MONDO:0015356.

Submissions (2):

Color Diagnostics, LLC DBA Color Health
Classification: Uncertain significance for Hereditary cancer-predisposing syndrome. Last evaluated: 2024-06-30. Review status: criteria provided, single submitter. Criteria: ACMG Guidelines, 2015. Collection method: clinical testing. Allele origin: germline.
Comment: This missense variant replaces alanine with valine at codon 59 of the APC protein. Computational prediction suggests that this variant may not impact protein structure and function (internally defined REVEL score threshold <= 0.5, PMID: 27666373). To our knowledge, functional studies have not been reported for this variant. This variant has not been reported in individuals affected with APC-related disorders in the literature. This variant has not been identified in the general population by the Genome Aggregation Database (gnomAD). The available evidence is insufficient to determine the role of this variant in disease conclusively. Therefore, this variant is classified as a Variant of Uncertain Significance.

Ambry Genetics
Classification: Uncertain significance for Hereditary cancer-predisposing syndrome. Last evaluated: 2021-09-29. Review status: criteria provided, single submitter. Criteria: Ambry Variant Classification Scheme 2023. Collection method: clinical testing. Allele origin: germline.
Comment: The p.A59V variant (also known as c.176C>T), located in coding exon 2 of the APC gene, results from a C to T substitution at nucleotide position 176. The alanine at codon 59 is replaced by valine, an amino acid with similar properties. This amino acid position is well conserved in available vertebrate species. In addition, in silico predictors for this gene do not accurately predict pathogenicity. Since supporting evidence is limited at this time, the clinical significance of this alteration remains unclear.

NM_000038.6(APC):c.176C>T (p.Ala59Val)

Gene: APC (APC regulator of Wnt signaling pathway; plus strand). Cytogenetic location: 5q22.2.
Variant type: single nucleotide variant.
Coding change: c.176C>T on transcript NM_000038.6 (MANE Select); coding-DNA position 176, C replaced by T.
Protein change: p.Ala59Val; replaces alanine 59 with valine.
Molecular consequence: missense variant. On other transcripts: 5 prime UTR variant (8), non-coding transcript variant (2).
Genome position (GRCh38, 1-based): chr5:112,766,366, C>T. VCF-style: chr5-112766366-C-T. GRCh37 (hg19) VCF-style: chr5-112102063-C-T.
Other names: c.176C>T, p.Ala59Val (NM_001127510.3, NM_001354895.2, NM_001354896.2 and 16 more transcripts); c.206C>T, p.Ala69Val (NM_001127511.3, NM_001354897.2, NM_001354902.2 and 1 more transcripts); c.101C>T, p.Ala34Val (NM_001354898.2, NM_001354904.2, NM_001407451.1); c.-2C>T (NM_001354900.2, NM_001354901.2, NM_001354905.2 and 1 more transcripts); c.-860C>T (NM_001354906.2, NM_001407470.1, NM_001407471.1 and 1 more transcripts); short protein forms A59V, A69V, A34V.
Identifiers: ClinVar variation 1779767 (VCV001779767.4), dbSNP rs2149784325, ClinGen allele CA16021734.
Genomic context (GRCh38, chr5:112,766,366, plus strand): 5'-TATTGTGTTCTTTTTAACAGGAAGTACTTAAACAACTACAAGGAAGTATTGAAGATGAAG[C>T]TATGGCTTCTTCTGGACAGATTGATTTATTAGAGCGTCTTAAAGGTAGATTTTAAAAAGG-3'
Protein context (NP_000029.2, residues 49-69): KQLQGSIEDE[Ala59Val]MASSGQIDLL